The following is an entry in ClinVar:

ClinVar aggregate classification (germline): Uncertain significance (1 of 4 stars; one submission).

Conditions:
Familial hemiplegic migraine. Identifiers: MedGen C0338484, MONDO:0000700.

Submission:

Labcorp Genetics (formerly Invitae), Labcorp
Classification: Uncertain significance for Familial hemiplegic migraine. Last evaluated: 2022-10-30. Review status: criteria provided, single submitter. Criteria: Invitae Variant Classification Sherloc (09022015). Collection method: clinical testing. Allele origin: germline.
Comment: This sequence change replaces alanine, which is neutral and non-polar, with valine, which is neutral and non-polar, at codon 252 of the ATP1A2 protein (p.Ala252Val). This variant is not present in population databases (gnomAD no frequency). This variant has not been reported in the literature in individuals affected with ATP1A2-related conditions. Advanced modeling of protein sequence and biophysical properties (such as structural, functional, and spatial information, amino acid conservation, physicochemical variation, residue mobility, and thermodynamic stability) performed at Invitae indicates that this missense variant is not expected to disrupt ATP1A2 protein function. In summary, the available evidence is currently insufficient to determine the role of this variant in disease. Therefore, it has been classified as a Variant of Uncertain Significance.

NM_000702.4(ATP1A2):c.755C>T (p.Ala252Val)

Gene: ATP1A2 (ATPase Na+/K+ transporting subunit alpha 2; plus strand). Cytogenetic location: 1q23.2.
Variant type: single nucleotide variant.
Coding change: c.755C>T on transcript NM_000702.4 (MANE Select); coding-DNA position 755, C replaced by T.
Protein change: p.Ala252Val; replaces alanine 252 with valine.
Molecular consequence: missense variant.
Genome position (GRCh38, 1-based): chr1:160,127,558, C>T. VCF-style: chr1-160127558-C-T. GRCh37 (hg19) VCF-style: chr1-160097348-C-T.
Other names: short protein forms A252V.
Identifiers: ClinVar variation 2810794 (VCV002810794.3), dbSNP rs2524865086, ClinGen allele CA343236929.